The following continues an entry in ClinVar:

NM_001048174.2(MUTYH):c.1103G>A (p.Gly368Asp)

Gene: MUTYH. ClinVar aggregate classification (germline): Pathogenic/Likely pathogenic. Pathogenic (64); Likely pathogenic (5).

Submissions 11 to 18 of 93:

Ambry Genetics
Classification: Pathogenic for Hereditary cancer-predisposing syndrome. Last evaluated: 2025-04-07. Review status: criteria provided, single submitter. Criteria: Ambry Variant Classification Scheme 2023. Collection method: clinical testing. Allele origin: germline.
Comment: The p.G396D pathogenic mutation (also known as c.1187G>A) is located in coding exon 13 of the MUTYH gene. This alteration is a well-characterized founder mutation in multiple populations and accounts for a significant proportion of pathogenic MUTYH mutations reported to date (Nielsen M et al. Gastroenterology. 2009 Feb;136:471-6). A large scale meta-analysis to refine colorectal cancer risk estimates associated with MUTYH variants, including more than 20000 cases and 15000 controls, demonstrated no significant monoallelic effects on colorectal cancer risk associated with this mutation (Theodoratou E et al. Br. J. Cancer. 2010 Dec;103:1875-84). In a cohort of 389 Sephardic Jewish women with breast cancer and 541 healthy controls, p.G396D was associated with a 1.86 fold increased risk for breast cancer (Rennert G et al. Cancer. 2012 Apr;118:1989-93). Additionally, this alteration was found to occur with an odds ratio of 2.0 in Dutch women with familial breast cancer compared to women with sporadic breast cancer and healthy controls, although this result did not reach statistical significance (Out AA et al. Breast Cancer Res.Treat. 2012 Jul;134:219-27). Functional analyses of this alteration indicate that p.G396D results in significantly reduced oxidative DNA mismatch repair efficiency compared to wild type (Plotz G et al. Hum. Mutat. 2012 Jul;33:1067-74; Raetz AG et al. Carcinogenesis. 2012 Nov;33:2301-9; Ruggieri V et al. Oncogene. 2013 Sep;32:4500-8). RNA studies have demonstrated this alteration does not result in abnormal splicing in the set of samples tested (Ambry internal data). Of note, this alteration is also designated as p.G382D in the published literature. Based on the available evidence, this alteration is classified as a disease-causing mutation.

Variantyx, Inc.
Classification: Pathogenic for Familial adenomatous polyposis 2. Last evaluated: 2025-03-26. Review status: criteria provided, single submitter. Criteria: Variantyx Assertion Criteria 2022. Collection method: clinical testing. Allele origin: germline. Inheritance: Autosomal recessive inheritance. Affected: yes.
Comment: This is a nonsynonymous variant in the MUTYH gene (OMIM: 604933). Pathogenic variants in this gene have been associated with autosomal recessive colorectal adenomatous polyposis. This variant has been reported in the homozygous or compound heterozygous state in many unrelated affected individuals (PMID: 11818965, 14999774, 16557584, 17489848, 19793053) (PM3_Very_Strong). Multiple computational algorithms predict a deleterious effect for this variant (REVEL score: 0.954) (PP3_Moderate), which was confirmed by functional studies (PMID: 25820570, 20848659, 19836313) (PS3). This variant has a 0.5885% maximum allele frequency in non-founder control populations. Based on the current evidence, this variant is classified as pathogenic for autosomal recessive colorectal adenomatous polyposis. Of note, several studies have suggested this variant may be associated with an increased cancer risk in the monoallelic state (PMID: 30640315, 24444654).

ARUP Laboratories, Molecular Genetics and Genomics, ARUP Laboratories
Classification: Pathogenic. Last evaluated: 2025-03-11. Review status: criteria provided, single submitter. Criteria: ARUP Molecular Germline Variant Investigation Process 2024. Collection method: clinical testing. Allele origin: germline.
Comment: The MUTYH c.1187G>A; p.Gly396Asp variant (rs36053993; also known as NM_001048171.1: c.1145G>A; p.Gly382Asp) has been well described in the literature as one of the two common MUTYH pathogenic variants. It has been observed in homozygous or compound heterozygous form with other pathogenic MUTYH variants in patients with adenomatous polyposis syndrome (Al-Tassan 2002, Nielsen 2009, Ruggieri 2013), and is enriched in patients with an odds ratio of 6.47 (Theodoratou 2010). Functional characterization of the variant protein indicates a partial reduction in DNA binding and glycosylase activity (Ali 2008, D'Agostino 2010, Goto 2010, Komine 2015, Kundu 2009, Molatore 2010, Ruggieri 2013). Based on available information, this variant is considered to be pathogenic. References: Ali M et al. Characterization of mutant MUTYH proteins associated with familial colorectal cancer. Gastroenterology. 2008 135(2):499-507. PMID: 18534194. Al-Tassan N et al. Inherited variants of MYH associated with somatic G:C-->T:A mutations in colorectal tumors. Nat Genet. 2002 30(2):227-32. PMID: 11818965 D'Agostino V et al. Functional analysis of MUTYH mutated proteins associated with familial adenomatous polyposis. DNA Repair (Amst). 2010 9(6):700-7. PMID: 20418187. Goto M et al. Adenine DNA glycosylase activity of 14 human MutY homolog (MUTYH) variant proteins found in patients with colorectal polyposis and cancer. Hum Mutat. 2010 31(11):E1861-74. PMID: 20848659. Komine K et al. Functional Complementation Assay for 47 MUTYH Variants in a MutY-Disrupted Escherichia coli Strain. Hum Mutat. 2015 36(7):704-11. PMID: 25820570. Kundu S et al. Adenine removal activity and bacterial complementation with the human MutY homologue (MUTYH) and Y165C, G382D, P391L and Q324R variants associated with colorectal cancer. DNA Repair (Amst). 2009 8(12):1400-10. PMID: 19836313. Molatore S et al. MUTYH mutations associated with familial adenomatous polyposis: functional characterization by a mammalian cell-based assay. Hum Mutat. 2010 31(2):159-66. PMID: 19953527. Nielsen M et al. Analysis of MUTYH genotypes and colorectal phenotypes in patients With MUTYH-associated polyposis. Gastroenterology. 2009 136(2):471-6. PMID: 19032956. Ruggieri V et al. Loss of MUTYH function in human cells leads to accumulation of oxidative damage and genetic instability. Oncogene. 2013 32(38):4500-8. PMID: 23108399. Theodoratou E et al. A large-scale meta-analysis to refine colorectal cancer risk estimates associated with MUTYH variants. Br J Cancer. 2010 Dec 7;103(12):1875-84. PMID: 21063410.

Cambridge Genomics Laboratory, East Genomic Laboratory Hub, NHS Genomic Medicine Service
Classification: Pathogenic for Inherited polyposis and early onset colorectal cancer - germline testing. Last evaluated: 2025-03-11. Review status: criteria provided, single submitter. Criteria: ACGS Best Practice Guidelines for Variant Classification in Rare Disease 2020. Collection method: clinical testing. Allele origin: germline. Affected: yes.
Comment: PS3_Supporting,PM3_Very Strong,PP3

Color Diagnostics, LLC DBA Color Health
Classification: Pathogenic for Hereditary cancer-predisposing syndrome. Last evaluated: 2025-02-10. Review status: criteria provided, single submitter. Criteria: ACMG Guidelines, 2015. Collection method: clinical testing. Allele origin: germline.
Comment: This missense variant replaces glycine with aspartic acid at codon 396 of the MUTYH protein. This variant is also known as p.Gly382Asp (c.1145G>A) based on an alternate transcript NM_001048171. Computational prediction tool suggests that this variant may have deleterious impact on protein structure and function. Functional studies have shown that the mutant protein exhibits significantly reduced activity in in vitro DNA glycosylase activity assay (PMID: 15036665, 15987719, 20848659). This variant is a well-established pathogenic variant known to cause adenomatous polyposis and colorectal cancer in homozygous or compound heterozygous individuals (PMID: 11818965, 12606733, 15635083, 16557584, 23361220, 25590978, 27783336, 28135145, 29147111). This variant is one of two most common pathogenic MUTYH variants, which together account for up to 80% of MUTYH-associated disease observed in Caucasian individuals (PMID: 29147111). This variant has been identified in 860/281146 chromosomes in the general population by the Genome Aggregation Database (gnomAD). Based on the available evidence, this variant is classified as Pathogenic.

First Genomix Gene Laboratory, Genetic Diagnostics Department
Classification: Pathogenic for Familial adenomatous polyposis 2. Last evaluated: 2025-01-11. Review status: criteria provided, single submitter. Criteria: ACMG Guidelines, 2015. Collection method: clinical testing. Allele origin: germline. Inheritance: Autosomal recessive inheritance. Affected: no. Observed: 1 variant allele.

Blueprint Genetics
Classification: Pathogenic for MUTYH-related disorders. Last evaluated: 2024-11-19. Review status: criteria provided, single submitter. Criteria: ACMG Guidelines, 2015. Collection method: clinical testing. Allele origin: germline. Affected: yes. Observed: 5 variant alleles.

All of Us Research Program, National Institutes of Health
Classification: Pathogenic for Familial adenomatous polyposis 2. Last evaluated: 2024-09-28. Review status: criteria provided, single submitter. Criteria: ACMG Guidelines, 2015. Collection method: clinical testing. Allele origin: germline. Inheritance: Autosomal recessive inheritance. Observed: 1,405 variant alleles, 1,402 heterozygotes, 3 homozygotes.
Comment: The c.1187G>A (p.Gly396Asp) variant in the MUTYH gene is located on the exon 13 and is predicted to replace glycine with aspartic acid at codon 396 of the MUTYH protein. This variant has been observed in homozygous or compound heterozygous state in multiple individuals with MUTYH-associated polyposis and colorectal cancer (PMID: 11818965, 12606733, 15635083, 16557584, 19032956, 23108399, 23361220, 25590978, 26202870, 27783336, 28135145, 29147111). This variant has been reported to co-segregate with disease in multiple individuals (PMID: 11818965, 16557584, 17489848, 19793053, 31159747). Experimental studies have shown that this variant affects MUTYH function and leads to a reduction in DNA binding and glycosylase activity (PMID: 11818965, 15036665, 15987719, 18534194, 20418187, 20848659, 22473953, 22926731, 23108399, 25820570). This missense change has been identified in 860/281146 chromosomes in the general population by the Genome Aggregation Database (gnomAD), including three homozygotes. Computational prediction suggests that this variant may have deleterious impact on protein structure and function (REVEL score = 0.954). Based on these evidence, the c.1187G>A (p.Gly396Asp) variant in the MUTYH gene is classified as pathogenic.

This study involves interpretation of variants in research participants for the purpose of population health screening. Participant phenotype was not available at the time of variant classification. Additional details can be found in publication PMID: 35346344, PMCID: PMC8962531